The following is an entry in ClinVar:

ClinVar aggregate classification (germline): Uncertain significance (1 of 4 stars; one submission).

Conditions:
Neurofibromatosis, type 1 (NF1). Also called: Peripheral type neurofibromatosis; NEUROFIBROMATOSIS, TYPE I, SOMATIC; Neurofibromatosis, type I; VON RECKLINGHAUSEN DISEASE. Identifiers: Orphanet 636, MedGen C0027831, MONDO:0018975, OMIM 162200. Disease mechanism: loss of function.

Submission:

Labcorp Genetics (formerly Invitae), Labcorp
Classification: Uncertain significance for Neurofibromatosis, type 1. Last evaluated: 2022-04-08. Review status: criteria provided, single submitter. Criteria: Invitae Variant Classification Sherloc (09022015). Collection method: clinical testing. Allele origin: germline.
Comment: Advanced modeling of protein sequence and biophysical properties (such as structural, functional, and spatial information, amino acid conservation, physicochemical variation, residue mobility, and thermodynamic stability) performed at Invitae indicates that this missense variant is expected to disrupt NF1 protein function. This variant has not been reported in the literature in individuals affected with NF1-related conditions. This variant is not present in population databases (gnomAD no frequency). This sequence change replaces aspartic acid, which is acidic and polar, with asparagine, which is neutral and polar, at codon 1944 of the NF1 protein (p.Asp1944Asn). In summary, the available evidence is currently insufficient to determine the role of this variant in disease. Therefore, it has been classified as a Variant of Uncertain Significance.

NM_001042492.3(NF1):c.5893G>A (p.Asp1965Asn)

Gene: NF1 (neurofibromin 1; plus strand). Cytogenetic location: 17q11.2.
Variant type: single nucleotide variant.
Coding change: c.5893G>A on transcript NM_001042492.3 (MANE Select); coding-DNA position 5893, G replaced by A.
Protein change: p.Asp1965Asn; replaces aspartic acid 1965 with asparagine.
Molecular consequence: missense variant.
Genome position (GRCh38, 1-based): chr17:31,334,918, G>A. VCF-style: chr17-31334918-G-A. GRCh37 (hg19) VCF-style: chr17-29661936-G-A.
Other names: c.5830G>A, p.Asp1944Asn (NM_000267.4); short protein forms D1965N, D1944N.
Identifiers: ClinVar variation 2123109 (VCV002123109.4), dbSNP rs2151550453, ClinGen allele CA399010735.